The following is an entry in ClinVar:

NM_198525.3(KIF7):c.3811G>A (p.Ala1271Thr)

Gene: KIF7 (kinesin family member 7; minus strand). Cytogenetic location: 15q26.1.
Variant type: single nucleotide variant.
Coding change: c.3811G>A on transcript NM_198525.3 (MANE Select); coding-DNA position 3811, G replaced by A.
Protein change: p.Ala1271Thr; replaces alanine 1271 with threonine.
Molecular consequence: missense variant.
Genome position (GRCh38, 1-based): chr15:89,628,640, C>T on the plus strand (G>A on the coding strand, the complement: KIF7 is on the minus strand). VCF-style: chr15-89628640-C-T. GRCh37 (hg19) VCF-style: chr15-90171871-C-T.
Other names: c.3811G>A (NM_198525.2); short protein forms A1271T.
Identifiers: ClinVar variation 1014341 (VCV001014341.7), dbSNP rs754341930, ClinGen allele CA7727519.

ClinVar aggregate classification (germline): Uncertain significance. Review status: criteria provided, multiple submitters, no conflicts (2 of 4 stars). 2 submissions from 2 submitters: Uncertain significance (2). Last evaluated 2025-07-02.

Conditions:
Inborn genetic diseases. Identifiers: MedGen C0950123, MeSH D030342.
Acrocallosal syndrome (ACLS). Also called: HALLUX DUPLICATION, POSTAXIAL POLYDACTYLY, AND ABSENCE OF CORPUS CALLOSUM; Schinzel syndrome 1; Absence of corpus callosum with unusual facial appearance, mental deficiency, duplication of the halluces and polydactyly. Identifiers: Orphanet 36, MedGen C0796147, MONDO:0008708, OMIM 200990.

Allele frequency attached by ClinVar (database versions not stated): gnomAD 0.00002 and 0.00003; TOPMed 0.00004; gnomAD exomes 0.00005 and 0.00010; ExAC 0.00017.
gnomAD v4.1: 69 of 1,613,124 alleles (0.0043%); highest among the groups gnomAD compares: South Asian, 0.0055%; no homozygotes.

Submissions (2):

Ambry Genetics
Classification: Uncertain significance for Inborn genetic diseases. Last evaluated: 2025-07-02. Review status: criteria provided, single submitter. Criteria: Ambry Variant Classification Scheme 2023. Collection method: clinical testing. Allele origin: germline.

Labcorp Genetics (formerly Invitae), Labcorp
Classification: Uncertain significance for Acrocallosal syndrome. Last evaluated: 2023-07-03. Review status: criteria provided, single submitter. Criteria: Invitae Variant Classification Sherloc (09022015). Collection method: clinical testing. Allele origin: germline.
Comment: This variant is present in population databases (rs754341930, gnomAD 0.02%). This sequence change replaces alanine, which is neutral and non-polar, with threonine, which is neutral and polar, at codon 1271 of the KIF7 protein (p.Ala1271Thr). This variant has not been reported in the literature in individuals affected with KIF7-related conditions. In summary, the available evidence is currently insufficient to determine the role of this variant in disease. Therefore, it has been classified as a Variant of Uncertain Significance. Advanced modeling of protein sequence and biophysical properties (such as structural, functional, and spatial information, amino acid conservation, physicochemical variation, residue mobility, and thermodynamic stability) performed at Invitae indicates that this missense variant is not expected to disrupt KIF7 protein function. ClinVar contains an entry for this variant (Variation ID: 1014341).